The following is an entry in ClinVar:

ClinVar aggregate classification (germline): Uncertain significance (1 of 4 stars; one submission).

Conditions:
Pitt-Hopkins-like syndrome 2 (PTHSL2). Identifiers: Orphanet 221150, Orphanet 600663, MedGen C3280479, MONDO:0013690, OMIM 614325.

Submission:

Labcorp Genetics (formerly Invitae), Labcorp
Classification: Uncertain significance for Pitt-Hopkins-like syndrome 2. Last evaluated: 2022-11-22. Review status: criteria provided, single submitter. Criteria: Invitae Variant Classification Sherloc (09022015). Collection method: clinical testing. Allele origin: germline.
Comment: In summary, the available evidence is currently insufficient to determine the role of this variant in disease. Therefore, it has been classified as a Variant of Uncertain Significance. Advanced modeling of protein sequence and biophysical properties (such as structural, functional, and spatial information, amino acid conservation, physicochemical variation, residue mobility, and thermodynamic stability) performed at Invitae indicates that this missense variant is not expected to disrupt NRXN1 protein function. This variant has not been reported in the literature in individuals affected with NRXN1-related conditions. This variant is not present in population databases (gnomAD no frequency). This sequence change replaces valine, which is neutral and non-polar, with alanine, which is neutral and non-polar, at codon 1206 of the NRXN1 protein (p.Val1206Ala).

NM_001330078.2(NRXN1):c.3497T>C (p.Val1166Ala)

Gene: NRXN1 (neurexin 1; minus strand). Cytogenetic location: 2p16.3.
Variant type: single nucleotide variant.
Coding change: c.3497T>C on transcript NM_001330078.2 (MANE Select); coding-DNA position 3497, T replaced by C.
Protein change: p.Val1166Ala; replaces valine 1166 with alanine.
Molecular consequence: missense variant.
Genome position (GRCh38, 1-based): chr2:50,236,838, A>G on the plus strand (T>C on the coding strand, the complement: NRXN1 is on the minus strand). VCF-style: chr2-50236838-A-G. GRCh37 (hg19) VCF-style: chr2-50463976-A-G.
Other names: c.3494T>C, p.Val1165Ala (NM_001330093.2); c.3485T>C, p.Val1162Ala (NM_001330094.2); c.3446T>C, p.Val1149Ala (NM_001330095.2); c.3386T>C, p.Val1129Ala (NM_001330096.2, NM_001330087.2); c.392T>C, p.Val131Ala (NM_001330097.2, NM_138735.5, NM_001330091.2 and 1 more transcripts); c.3497T>C, p.Val1166Ala (NM_004801.6, NM_001330086.2); c.3617T>C, p.Val1206Ala (NM_001135659.3); c.3473T>C, p.Val1158Ala (NM_001330077.2, NM_001330082.2); and 3 more; short protein forms V1129A, V1139A, V1144A, V1149A, V1157A, V1158A, V1162A, V1165A.
Identifiers: ClinVar variation 1721554 (VCV001721554.5), dbSNP rs2465539081, ClinGen allele CA346820870.